The following is an entry in ClinVar:

NM_000090.4(COL3A1):c.409C>T (p.Pro137Ser)

Gene: COL3A1 (collagen type III alpha 1 chain; plus strand). Cytogenetic location: 2q32.2.
Variant type: single nucleotide variant.
Coding change: c.409C>T on transcript NM_000090.4 (MANE Select); coding-DNA position 409, C replaced by T.
Protein change: p.Pro137Ser; replaces proline 137 with serine.
Molecular consequence: missense variant.
Genome position (GRCh38, 1-based): chr2:188,985,740, C>T. VCF-style: chr2-188985740-C-T. GRCh37 (hg19) VCF-style: chr2-189850466-C-T.
Other names: short protein forms P137S.
Identifiers: ClinVar variation 2700386 (VCV002700386.3), dbSNP rs1553506950, ClinGen allele CA349847922.

ClinVar aggregate classification (germline): Uncertain significance (1 of 4 stars; one submission).

Conditions:
Ehlers-Danlos syndrome, type 4 (EDSVASC). Also called: Ehlers-Danlos Syndrome Type IV; Ehlers-Danlos syndrome vascular type; Ehlers Danlos syndrome, ecchymotic type; Ehlers Danlos syndrome, arterial type; Ehlers Danlos syndrome, Sack-Barabas type. Identifiers: Orphanet 286, MedGen C0268338, MONDO:0017314, OMIM 130050.

Allele frequency attached by ClinVar (database versions not stated): gnomAD exomes below 0.00001.
gnomAD v4.1: 2 of 1,611,664 alleles (0.00012%); highest among the groups gnomAD compares: Non-Finnish European, 0.00017%; no homozygotes.

Submission:

Labcorp Genetics (formerly Invitae), Labcorp
Classification: Uncertain significance for Ehlers-Danlos syndrome, type 4. Last evaluated: 2023-12-02. Review status: criteria provided, single submitter. Criteria: Invitae Variant Classification Sherloc (09022015). Collection method: clinical testing. Allele origin: germline.
Comment: This sequence change replaces proline, which is neutral and non-polar, with serine, which is neutral and polar, at codon 137 of the COL3A1 protein (p.Pro137Ser). This variant is not present in population databases (gnomAD no frequency). This variant has not been reported in the literature in individuals affected with COL3A1-related conditions. Advanced modeling of protein sequence and biophysical properties (such as structural, functional, and spatial information, amino acid conservation, physicochemical variation, residue mobility, and thermodynamic stability) performed at Invitae indicates that this missense variant is not expected to disrupt COL3A1 protein function with a negative predictive value of 95%. In summary, the available evidence is currently insufficient to determine the role of this variant in disease. Therefore, it has been classified as a Variant of Uncertain Significance.